The following is an entry in ClinVar:

ClinVar aggregate classification (germline): Uncertain significance (1 of 4 stars; one submission).

Conditions:
Hereditary cancer-predisposing syndrome. Also called: Neoplastic Syndromes, Hereditary; Tumor predisposition; Hereditary Cancer Syndrome; Hereditary neoplastic syndrome. Identifiers: Orphanet 140162, MedGen C0027672, MeSH D009386, MONDO:0015356.

Submission:

Ambry Genetics
Classification: Uncertain significance for Hereditary cancer-predisposing syndrome. Last evaluated: 2024-10-23. Review status: criteria provided, single submitter. Criteria: Ambry Variant Classification Scheme 2023. Collection method: clinical testing. Allele origin: germline.
Comment: The p.F1653S variant (also known as c.4958T>C), located in coding exon 38 of the POLE gene, results from a T to C substitution at nucleotide position 4958. The phenylalanine at codon 1653 is replaced by serine, an amino acid with highly dissimilar properties. This amino acid position is conserved. In addition, this alteration is predicted to be tolerated by in silico analysis. Based on the available evidence, the clinical significance of this variant remains unclear.

NM_006231.4(POLE):c.4958T>C (p.Phe1653Ser)

Gene: POLE (DNA polymerase epsilon, catalytic subunit; minus strand). Cytogenetic location: 12q24.33.
Variant type: single nucleotide variant.
Coding change: c.4958T>C on transcript NM_006231.4 (MANE Select); coding-DNA position 4958, T replaced by C.
Protein change: p.Phe1653Ser; replaces phenylalanine 1653 with serine.
Molecular consequence: missense variant.
Genome position (GRCh38, 1-based): chr12:132,642,392, A>G on the plus strand (T>C on the coding strand, the complement: POLE is on the minus strand). VCF-style: chr12-132642392-A-G. GRCh37 (hg19) VCF-style: chr12-133218978-A-G.
Other names: short protein forms F1653S.
Identifiers: ClinVar variation 3422204 (VCV003422204.1).